The following is an entry in ClinVar:

NM_015450.3(POT1):c.230A>G (p.Asp77Gly)

Gene: POT1 (protection of telomeres 1; minus strand). Cytogenetic location: 7q31.33.
Variant type: single nucleotide variant.
Coding change: c.230A>G on transcript NM_015450.3 (MANE Select); coding-DNA position 230, A replaced by G.
Protein change: p.Asp77Gly; replaces aspartic acid 77 with glycine.
Molecular consequence: missense variant. On other transcripts: non-coding transcript variant (3), intron variant (1).
Genome position (GRCh38, 1-based): chr7:124,870,936, T>C on the plus strand (A>G on the coding strand, the complement: POT1 is on the minus strand). VCF-style: chr7-124870936-T-C. GRCh37 (hg19) VCF-style: chr7-124510990-T-C.
Other names: c.-138-7296A>G (NM_001042594.2); short protein forms D77G.
Identifiers: ClinVar variation 949910 (VCV000949910.12), dbSNP rs1795852217, ClinGen allele CA369061357.

ClinVar aggregate classification (germline): Uncertain significance. Review status: criteria provided, multiple submitters, no conflicts (2 of 4 stars). 3 submissions from 3 submitters: Uncertain significance (3). Last evaluated 2023-07-06.

Conditions:
Hereditary cancer-predisposing syndrome. Also called: Neoplastic Syndromes, Hereditary; Tumor predisposition; Hereditary Cancer Syndrome; Hereditary neoplastic syndrome. Identifiers: Orphanet 140162, MedGen C0027672, MeSH D009386, MONDO:0015356.
Tumor predisposition syndrome 3 (TPDS3). Also called: Glioma susceptibility 9; LONG TELOMERE SYNDROME, POT1-RELATED; POT1 Tumor Predisposition; Melanoma, cutaneous malignant, susceptibility to, 10. Identifiers: Orphanet 618, MedGen C4014476, MONDO:0014368, OMIM 615848.

Submissions (3):

GeneDx
Classification: Uncertain significance. Last evaluated: 2023-07-06. Review status: criteria provided, single submitter. Criteria: GeneDx Variant Classification Process June 2021. Collection method: clinical testing. Allele origin: germline. Affected: yes.
Comment: Not observed at significant frequency in large population cohorts (gnomAD); In silico analysis supports a deleterious effect on splicing; In silico analysis supports that this missense variant has a deleterious effect on protein structure/function; Has not been previously published as pathogenic or benign to our knowledge; This variant is associated with the following publications: (PMID: 27528712, 28393830)

Ambry Genetics
Classification: Uncertain significance for Hereditary cancer-predisposing syndrome. Last evaluated: 2023-01-11. Review status: criteria provided, single submitter. Criteria: Ambry Variant Classification Scheme 2023. Collection method: clinical testing. Allele origin: germline.
Comment: The p.D77G variant (also known as c.230A>G), located in coding exon 3 of the POT1 gene, results from an A to G substitution at nucleotide position 230. The aspartic acid at codon 77 is replaced by glycine, an amino acid with similar properties. This amino acid position is highly conserved in available vertebrate species. In addition, this alteration is predicted to be deleterious by in silico analysis. Since supporting evidence is limited at this time, the clinical significance of this alteration remains unclear.

Labcorp Genetics (formerly Invitae), Labcorp
Classification: Uncertain significance for Tumor predisposition syndrome 3. Last evaluated: 2019-05-20. Review status: criteria provided, single submitter. Criteria: Invitae Variant Classification Sherloc (09022015). Collection method: clinical testing. Allele origin: germline.
Comment: This sequence change replaces aspartic acid with glycine at codon 77 of the POT1 protein (p.Asp77Gly). The aspartic acid residue is highly conserved and there is a moderate physicochemical difference between aspartic acid and glycine. This variant is not present in population databases (ExAC no frequency). This variant has been observed in an individual affected with melanoma (PMID: 27528712). Algorithms developed to predict the effect of missense changes on protein structure and function are either unavailable or do not agree on the potential impact of this missense change (SIFT: "Deleterious"; PolyPhen-2: "Probably Damaging"; Align-GVGD: "Class C0"). Algorithms developed to predict the effect of sequence changes on RNA splicing suggest that this variant may create or strengthen a splice site, but this prediction has not been confirmed by published transcriptional studies. In summary, the available evidence is currently insufficient to determine the role of this variant in disease. Therefore, it has been classified as a Variant of Uncertain Significance.

Literature cited by the submitters: PubMed 27528712 (cited by Labcorp Genetics (formerly Invitae), Labcorp).